The following is an entry in ClinVar:

ClinVar aggregate classification (germline): Benign/Likely benign. Review status: criteria provided, multiple submitters, no conflicts (2 of 4 stars). 3 submissions from 3 submitters: Benign (1); Likely benign (2). Last evaluated 2025-06-22.

Conditions:
Hereditary cancer-predisposing syndrome. Also called: Hereditary Cancer Syndrome; Hereditary neoplastic syndrome; Tumor predisposition; Neoplastic Syndromes, Hereditary. Identifiers: Orphanet 140162, MedGen C0027672, MeSH D009386, MONDO:0015356.
Peutz-Jeghers syndrome (PJS). Also called: POLYPOSIS, HAMARTOMATOUS INTESTINAL; POLYPS-AND-SPOTS SYNDROME; Peutz-Jeghers polyposis; Periorificial lentiginosis syndrome. Identifiers: Orphanet 2869, MedGen C0031269, MeSH D010580, MONDO:0008280, OMIM 175200.

Submissions (3):

Labcorp Genetics (formerly Invitae), Labcorp
Classification: Likely benign for Peutz-Jeghers syndrome. Last evaluated: 2025-06-22. Review status: criteria provided, single submitter. Criteria: Invitae Variant Classification Sherloc (09022015). Collection method: clinical testing. Allele origin: germline.

Myriad Genetics, Inc.
Classification: Benign for Peutz-Jeghers syndrome. Last evaluated: 2025-03-26. Review status: criteria provided, single submitter. Criteria: Myriad Autosomal Dominant, Autosomal Recessive and X-Linked Classification Criteria (2023). Collection method: clinical testing. Allele origin: unknown.
Comment: This variant is considered benign. This variant is a silent/synonymous amino acid change and it is not expected to impact splicing.

Ambry Genetics
Classification: Likely benign for Hereditary cancer-predisposing syndrome. Last evaluated: 2017-08-02. Review status: criteria provided, single submitter. Criteria: Ambry Variant Classification Scheme 2023. Collection method: clinical testing. Allele origin: germline.

NM_000455.5(STK11):c.583C>T (p.Leu195=)

Gene: STK11 (serine/threonine kinase 11; plus strand). Cytogenetic location: 19p13.3.
Variant type: single nucleotide variant.
Coding change: c.583C>T on transcript NM_000455.5 (MANE Select); coding-DNA position 583, C replaced by T.
Protein change: p.Leu195=; no amino-acid change (leucine 195 retained).
Molecular consequence: synonymous variant.
Genome position (GRCh38, 1-based): chr19:1,220,491, C>T. VCF-style: chr19-1220491-C-T. GRCh37 (hg19) VCF-style: chr19-1220490-C-T.
Identifiers: ClinVar variation 458053 (VCV000458053.15), dbSNP rs1555738276, ClinGen allele CA504892348.